The following is an entry in ClinVar:

ClinVar aggregate classification (germline): Uncertain significance (1 of 4 stars; one submission).

Allele frequency attached by ClinVar (database versions not stated): gnomAD exomes below 0.00001; gnomAD 0.00001.
gnomAD v4.1: 2 of 1,613,048 alleles (0.00012%); highest among the groups gnomAD compares: African/African-American, 0.0027%; no homozygotes.

Submission:

GeneDx
Classification: Uncertain significance. Last evaluated: 2025-07-14. Review status: criteria provided, single submitter. Criteria: GeneDx Variant Classification Process June 2021. Collection method: clinical testing. Allele origin: germline.
Comment: Not observed at significant frequency in large population cohorts (gnomAD); In silico analysis suggests that this missense variant does not alter protein structure/function; Has not been previously published as pathogenic or benign to our knowledge

NM_007118.4(TRIO):c.8761A>G (p.Ile2921Val)

Gene: TRIO (trio Rho guanine nucleotide exchange factor; plus strand). Cytogenetic location: 5p15.2.
Variant type: single nucleotide variant.
Coding change: c.8761A>G on transcript NM_007118.4 (MANE Select); coding-DNA position 8761, A replaced by G.
Protein change: p.Ile2921Val; replaces isoleucine 2921 with valine.
Molecular consequence: missense variant. On other transcripts: non-coding transcript variant (1).
Genome position (GRCh38, 1-based): chr5:14,507,889, A>G. VCF-style: chr5-14507889-A-G. GRCh37 (hg19) VCF-style: chr5-14507998-A-G.
Other names: short protein forms I2921V.
Identifiers: ClinVar variation 3252512 (VCV003252512.2), dbSNP rs1757819609.